The following is an entry in ClinVar:

ClinVar aggregate classification (germline): Uncertain significance (1 of 4 stars; one submission).

Allele frequency attached by ClinVar (database versions not stated): gnomAD exomes below 0.00001 and 0.00001; gnomAD 0.00001; ExAC 0.00002; TOPMed 0.00002; 1000 Genomes Project 30x 0.00016; 1000 Genomes Project 0.00020.
gnomAD v4.1: 3 of 1,612,918 alleles (0.00019%); highest among the groups gnomAD compares: East Asian, 0.0067%; no homozygotes.

Submission:

Labcorp Genetics (formerly Invitae), Labcorp
Classification: Uncertain significance. Last evaluated: 2021-11-30. Review status: criteria provided, single submitter. Criteria: Invitae Variant Classification Sherloc (09022015). Collection method: clinical testing. Allele origin: germline.
Comment: This sequence change replaces alanine, which is neutral and non-polar, with valine, which is neutral and non-polar, at codon 4061 of the PCLO protein (p.Ala4061Val). This variant is present in population databases (rs542219489, gnomAD 0.006%). This variant has not been reported in the literature in individuals affected with PCLO-related conditions. Algorithms developed to predict the effect of missense changes on protein structure and function are either unavailable or do not agree on the potential impact of this missense change (SIFT: "Deleterious"; PolyPhen-2: "Not Available"; Align-GVGD: "Class C0"). Algorithms developed to predict the effect of sequence changes on RNA splicing suggest that this variant may create or strengthen a splice site. In summary, the available evidence is currently insufficient to determine the role of this variant in disease. Therefore, it has been classified as a Variant of Uncertain Significance.

NM_033026.6(PCLO):c.12182C>T (p.Ala4061Val)

Gene: PCLO (piccolo presynaptic cytomatrix protein; minus strand). Cytogenetic location: 7q21.11.
Variant type: single nucleotide variant.
Coding change: c.12182C>T on transcript NM_033026.6 (MANE Select); coding-DNA position 12182, C replaced by T.
Protein change: p.Ala4061Val; replaces alanine 4061 with valine.
Molecular consequence: missense variant.
Genome position (GRCh38, 1-based): chr7:82,915,804, G>A on the plus strand (C>T on the coding strand, the complement: PCLO is on the minus strand). VCF-style: chr7-82915804-G-A. GRCh37 (hg19) VCF-style: chr7-82545120-G-A.
Other names: c.12182C>T, p.Ala4061Val (NM_014510.3); short protein forms A4061V.
Identifiers: ClinVar variation 1446288 (VCV001446288.6), dbSNP rs542219489, ClinGen allele CA4319421.